The following is an entry in ClinVar:

ClinVar aggregate classification (germline): Uncertain significance (1 of 4 stars; one submission).

Conditions:
Hereditary cancer-predisposing syndrome. Also called: Neoplastic Syndromes, Hereditary; Tumor predisposition; Hereditary Cancer Syndrome; Hereditary neoplastic syndrome. Identifiers: Orphanet 140162, MedGen C0027672, MeSH D009386, MONDO:0015356.

gnomAD v4.1: 1 of 1,614,114 alleles (0.000062%); highest among the groups gnomAD compares: Non-Finnish European, 0.000085%; no homozygotes.

Submission:

Ambry Genetics
Classification: Uncertain significance for Hereditary cancer-predisposing syndrome. Last evaluated: 2025-01-15. Review status: criteria provided, single submitter. Criteria: Ambry Variant Classification Scheme 2023. Collection method: clinical testing. Allele origin: germline.
Comment: The p.A298D variant (also known as c.893C>A), located in coding exon 3 of the ALK gene, results from a C to A substitution at nucleotide position 893. The alanine at codon 298 is replaced by aspartic acid, an amino acid with dissimilar properties. This amino acid position is conserved. In addition, this alteration is predicted to be tolerated by in silico analysis. Since supporting evidence is limited at this time, the clinical significance of this alteration remains unclear.

NM_004304.5(ALK):c.893C>A (p.Ala298Asp)

Gene: ALK (ALK receptor tyrosine kinase; minus strand). Cytogenetic location: 2p23.2.
Variant type: single nucleotide variant.
Coding change: c.893C>A on transcript NM_004304.5 (MANE Select); coding-DNA position 893, C replaced by A.
Protein change: p.Ala298Asp; replaces alanine 298 with aspartic acid.
Molecular consequence: missense variant.
Genome position (GRCh38, 1-based): chr2:29,694,909, G>T on the plus strand (C>A on the coding strand, the complement: ALK is on the minus strand). VCF-style: chr2-29694909-G-T. GRCh37 (hg19) VCF-style: chr2-29917775-G-T.
Other names: short protein forms A298D.
Identifiers: ClinVar variation 1765179 (VCV001765179.3), dbSNP rs750435024, ClinGen allele CA346586922.